The following is an entry in ClinVar:

NM_004655.4(AXIN2):c.700T>G (p.Trp234Gly)

Gene: AXIN2 (axin 2; minus strand). Cytogenetic location: 17q24.1.
Variant type: single nucleotide variant.
Coding change: c.700T>G on transcript NM_004655.4 (MANE Select); coding-DNA position 700, T replaced by G.
Protein change: p.Trp234Gly; replaces tryptophan 234 with glycine.
Molecular consequence: missense variant.
Genome position (GRCh38, 1-based): chr17:65,557,921, A>C on the plus strand (T>G on the coding strand, the complement: AXIN2 is on the minus strand). VCF-style: chr17-65557921-A-C. GRCh37 (hg19) VCF-style: chr17-63554039-A-C.
Other names: c.700T>G, p.Trp234Gly (NM_001363813.1); short protein forms W234G.
Identifiers: ClinVar variation 961706 (VCV000961706.9), dbSNP rs2044294847, ClinGen allele CA400680456.

ClinVar aggregate classification (germline): Uncertain significance (1 of 4 stars; one submission).

Conditions:
Oligodontia-cancer predisposition syndrome. Also called: TOOTH AGENESIS-COLORECTAL CANCER SYNDROME. Identifiers: Orphanet 300576, MedGen C1837750, MONDO:0012075, OMIM 608615. Disease mechanism: loss of function.

Allele frequency attached by ClinVar (database versions not stated): gnomAD exomes below 0.00001.
gnomAD v4.1: 1 of 1,613,516 alleles (0.000062%); highest among the groups gnomAD compares: Non-Finnish European, 0.000085%; no homozygotes.

Submission:

Labcorp Genetics (formerly Invitae), Labcorp
Classification: Uncertain significance for Oligodontia-cancer predisposition syndrome. Last evaluated: 2019-11-16. Review status: criteria provided, single submitter. Criteria: Invitae Variant Classification Sherloc (09022015). Collection method: clinical testing. Allele origin: germline.
Comment: This sequence change replaces tryptophan with glycine at codon 234 of the AXIN2 protein (p.Trp234Gly). The tryptophan residue is highly conserved and there is a large physicochemical difference between tryptophan and glycine. This variant is not present in population databases (ExAC no frequency). This variant has not been reported in the literature in individuals with AXIN2-related conditions. Algorithms developed to predict the effect of missense changes on protein structure and function (SIFT, PolyPhen-2, Align-GVGD) all suggest that this variant is likely to be disruptive, but these predictions have not been confirmed by published functional studies and their clinical significance is uncertain. In summary, the available evidence is currently insufficient to determine the role of this variant in disease. Therefore, it has been classified as a Variant of Uncertain Significance.